The following is an entry in ClinVar:

NM_000059.4(BRCA2):c.2783T>C (p.Val928Ala)

Gene: BRCA2 (BRCA2 DNA repair associated; plus strand). Cytogenetic location: 13q13.1.
Variant type: single nucleotide variant.
Coding change: c.2783T>C on transcript NM_000059.4 (MANE Select); coding-DNA position 2783, T replaced by C.
Protein change: p.Val928Ala; replaces valine 928 with alanine.
Molecular consequence: missense variant.
Genome position (GRCh38, 1-based): chr13:32,337,138, T>C. VCF-style: chr13-32337138-T-C. GRCh37 (hg19) VCF-style: chr13-32911275-T-C.
Other names: short protein forms V928A.
Identifiers: ClinVar variation 1057808 (VCV001057808.13), dbSNP rs2137489850, ClinGen allele CA387773712.
Genomic context (GRCh38, chr13:32,337,138, plus strand): 5'-AACTTCATGAAACAGACTTGACTTGTGTAAACGAACCCATTTTCAAGAACTCTACCATGG[T>C]TTTATATGGAGACACAGGTGATAAACAAGCAACCCAAGTGTCAATTAAAAAAGATTTGGT-3'
Protein context (NP_000050.3, residues 918-938): NEPIFKNSTM[Val928Ala]LYGDTGDKQA

ClinVar aggregate classification (germline): Conflicting classifications of pathogenicity. Review status: criteria provided, conflicting classifications (1 of 4 stars). 2 submissions from 2 submitters: Uncertain significance (1); Likely benign (1). Last evaluated 2023-03-23.

Conditions:
Hereditary cancer-predisposing syndrome. Also called: Hereditary Cancer Syndrome; Tumor predisposition; Hereditary neoplastic syndrome; Neoplastic Syndromes, Hereditary. Identifiers: Orphanet 140162, MedGen C0027672, MeSH D009386, MONDO:0015356.
Hereditary breast ovarian cancer syndrome. Also called: Hereditary breast and/or ovarian cancer syndrome; Hereditary breast and ovarian cancer syndrome; Hereditary breast and ovarian cancer syndrome (HBOC); Breast and ovarian cancer; Hereditary breast and ovarian cancer; BRCA1- and BRCA2-Associated Hereditary Breast and Ovarian Cancer. Identifiers: Orphanet 145, MedGen C0677776, MeSH D061325, MONDO:0003582. Disease mechanism: loss of function.

Submissions (2):

University of Washington Department of Laboratory Medicine, University of Washington
Classification: Likely benign for Hereditary cancer-predisposing syndrome. Last evaluated: 2023-03-23. Review status: criteria provided, single submitter. Criteria: Dines et al. (Genet Med. 2020). Collection method: curation. Allele origin: germline.
Comment: Missense variant in a coldspot region where missense variants are very unlikely to be pathogenic (PMID:31911673).

BRCA2 exon 11 coldspot. Reclassification based on statistical prior probability.

Labcorp Genetics (formerly Invitae), Labcorp
Classification: Uncertain significance for Hereditary breast ovarian cancer syndrome. Last evaluated: 2020-02-24. Review status: criteria provided, single submitter. Criteria: Invitae Variant Classification Sherloc (09022015). Collection method: clinical testing. Allele origin: germline.
Comment: In summary, the available evidence is currently insufficient to determine the role of this variant in disease. Therefore, it has been classified as a Variant of Uncertain Significance. Algorithms developed to predict the effect of missense changes on protein structure and function output the following: SIFT: "Tolerated"; PolyPhen-2: "Benign"; Align-GVGD: "Class C0". The alanine amino acid residue is found in multiple mammalian species, suggesting that this missense change does not adversely affect protein function. These predictions have not been confirmed by published functional studies and their clinical significance is uncertain. This variant has not been reported in the literature in individuals with BRCA2-related conditions. This variant is not present in population databases (ExAC no frequency). This sequence change replaces valine with alanine at codon 928 of the BRCA2 protein (p.Val928Ala). The valine residue is weakly conserved and there is a small physicochemical difference between valine and alanine.